The following is an entry in ClinVar:

ClinVar aggregate classification (germline): Pathogenic (1 of 4 stars; one submission).

Conditions:
Hereditary cancer-predisposing syndrome. Also called: Hereditary Cancer Syndrome; Hereditary neoplastic syndrome; Neoplastic Syndromes, Hereditary; Tumor predisposition. Identifiers: Orphanet 140162, MedGen C0027672, MeSH D009386, MONDO:0015356.

Submission:

Ambry Genetics
Classification: Pathogenic for Hereditary cancer-predisposing syndrome. Last evaluated: 2018-02-16. Review status: criteria provided, single submitter. Criteria: Ambry Variant Classification Scheme 2023. Collection method: clinical testing. Allele origin: germline.
Comment: The c.595dupC pathogenic mutation, located in coding exon 6 of the PMS2 gene, results from a duplication of C at nucleotide position 595, causing a translational frameshift with a predicted alternate stop codon (p.R199Pfs*50). This alteration is expected to result in loss of function by premature protein truncation or nonsense-mediated mRNA decay. As such, this alteration is interpreted as a disease-causing mutation.

NM_000535.7(PMS2):c.595dup (p.Arg199fs)

Gene: PMS2 (PMS1 homolog 2, mismatch repair system component; minus strand). Cytogenetic location: 7p22.1.
Variant type: Duplication.
Coding change: c.595dup on transcript NM_000535.7 (MANE Select); coding-DNA position 595, one base duplicated (C; older notation c.595dupC).
Protein change: p.Arg199fs; shifts the reading frame from arginine 199.
Molecular consequence: frameshift variant. On other transcripts: 5 prime UTR variant (2), non-coding transcript variant (1), intron variant (1).
Genome position (GRCh38, 1-based): chr7:5,999,218, G duplicated on the plus strand (C on the coding strand, the reverse complement: PMS2 is on the minus strand); the first of 2 consecutive G bases (chr7:5,999,218-5,999,219); duplicating either gives the same sequence. VCF-style (leftmost placement, unchanged base first): chr7-5999217-C-CG. GRCh37 (hg19) VCF-style: chr7-6038848-C-CG.
Other names: c.189dup, p.Arg64Profs (NM_001018040.1, NM_001406887.1, NM_001406888.1 and 17 more transcripts); c.190dup, p.Arg64fs (NM_001322003.2, NM_001322004.2, NM_001322005.2 and 2 more transcripts); c.595dup, p.Arg199fs (NM_001322006.2, NM_001322014.2); c.277dup, p.Arg93fs (NM_001322007.2, NM_001322008.2); c.-339dup (NM_001322011.2, NM_001322012.2); c.286dup, p.Arg96fs (NM_001322015.2); c.780dup, p.Arg261Profs (NM_001406866.1); c.618dup, p.Arg207Profs (NM_001406868.1); and 6 more; short protein forms R96fs, R64fs, R93fs, R199fs.
Identifiers: ClinVar variation 1750725 (VCV001750725.2), dbSNP rs2536319634, ClinGen allele CA2580076764.
Genomic context (GRCh38, chr7:5,999,217, plus strand): 5'-CCACCTGTGCATACCACAGGCTGTCGTTTTCCTTGTCCAAGCTGATTGGTGCAACTTACA[C>CG]GGATGCCTGCTGAAATGATACAGTATGCATGTAAGACCTGGACCATTTTGGCATACTCCT-3'